The following is an entry in ClinVar:

ClinVar aggregate classification (germline): Likely benign. Review status: criteria provided, multiple submitters, no conflicts (2 of 4 stars). 3 submissions from 3 submitters: Likely benign (3). Last evaluated 2025-12-01.

Allele frequency attached by ClinVar (database versions not stated): ESP Exome Variant Server 0.00015; ExAC 0.00023; gnomAD 0.00023 and 0.00024; gnomAD exomes 0.00027; TOPMed 0.00031.
gnomAD v4.1: 593 of 1,613,124 alleles (0.037%); highest among the groups gnomAD compares: Non-Finnish European, 0.047%; 1 homozygote.

Submissions (3):

Labcorp Genetics (formerly Invitae), Labcorp
Classification: Likely benign. Last evaluated: 2025-12-01. Review status: criteria provided, single submitter. Criteria: Invitae Variant Classification Sherloc (09022015). Collection method: clinical testing. Allele origin: germline.

CeGaT Center for Human Genetics Tuebingen
Classification: Likely benign. Last evaluated: 2025-06-01. Review status: criteria provided, single submitter. Criteria: CeGaT Center For Human Genetics Tuebingen Variant Classification Criteria Version 2. Collection method: clinical testing. Allele origin: germline. Affected: yes. Observed: 12 variant alleles.
Comment: ERCC1: BP4, BP7

Blueprint Genetics
Classification: Likely benign. Last evaluated: 2024-11-22. Review status: criteria provided, single submitter. Criteria: ACMG Guidelines, 2015. Collection method: clinical testing. Allele origin: germline.

NM_001983.4(ERCC1):c.594C>T (p.Leu198=)

Gene: ERCC1 (ERCC excision repair 1, endonuclease non-catalytic subunit; minus strand). Cytogenetic location: 19q13.32.
Variant type: single nucleotide variant.
Coding change: c.594C>T on transcript NM_001983.4 (MANE Select); coding-DNA position 594, C replaced by T.
Protein change: p.Leu198=; no amino-acid change (leucine 198 retained).
Molecular consequence: synonymous variant.
Genome position (GRCh38, 1-based): chr19:45,416,829, G>A on the plus strand (C>T on the coding strand, the complement: ERCC1 is on the minus strand). VCF-style: chr19-45416829-G-A. GRCh37 (hg19) VCF-style: chr19-45920087-G-A.
Other names: c.594C>T, p.Leu198= (NM_001166049.2, NM_001369408.1, NM_001369409.1 and 11 more transcripts).
Identifiers: ClinVar variation 726201 (VCV000726201.32), dbSNP rs375782694, ClinGen allele CA9515388.
Genomic context (GRCh38, chr19:45,416,829, plus strand): 5'-AGGGACCAATCCCAGGTGGAGCCTGAATGAGGCAGGGAAGCCCTCATCTCACCTCCAGGC[G>A]AGGATCAATGTGCAGTCGGCCAGGATACACATCTTAGCCAGCTCCTTGAGGGCCTGCTGG-3'
Protein context (NP_001974.1, residues 188-208): MCILADCTLI[Leu198=]AWSPEEAGRY